The following is an entry in ClinVar:

NM_000130.5(F5):c.5152C>A (p.Pro1718Thr)

Gene: F5 (coagulation factor V; minus strand). Cytogenetic location: 1q24.2.
Variant type: single nucleotide variant.
Coding change: c.5152C>A on transcript NM_000130.5 (MANE Select); coding-DNA position 5152, C replaced by A.
Protein change: p.Pro1718Thr; replaces proline 1718 with threonine.
Molecular consequence: missense variant.
Genome position (GRCh38, 1-based): chr1:169,530,842, G>T on the plus strand (C>A on the coding strand, the complement: F5 is on the minus strand). VCF-style: chr1-169530842-G-T. GRCh37 (hg19) VCF-style: chr1-169500080-G-T.
Other names: short protein forms P1718T.
Identifiers: ClinVar variation 3392745 (VCV003392745.1).

ClinVar aggregate classification (germline): Uncertain significance (1 of 4 stars; one submission).

Submission:

GeneDx
Classification: Uncertain significance. Last evaluated: 2024-06-24. Review status: criteria provided, single submitter. Criteria: GeneDx Variant Classification Process June 2021. Collection method: clinical testing. Allele origin: germline. Affected: yes.
Comment: Not observed at significant frequency in large population cohorts (gnomAD); In silico analysis supports that this missense variant has a deleterious effect on protein structure/function; Has not been previously published as pathogenic or benign to our knowledge